The following is an entry in ClinVar:

NM_000051.4(ATM):c.968T>A (p.Ile323Lys)

Gene: ATM (ATM serine/threonine kinase; plus strand). Cytogenetic location: 11q22.3.
Variant type: single nucleotide variant.
Coding change: c.968T>A on transcript NM_000051.4 (MANE Select); coding-DNA position 968, T replaced by A.
Protein change: p.Ile323Lys; replaces isoleucine 323 with lysine.
Molecular consequence: missense variant.
Genome position (GRCh38, 1-based): chr11:108,247,030, T>A. VCF-style: chr11-108247030-T-A. GRCh37 (hg19) VCF-style: chr11-108117757-T-A.
Other names: c.968T>A (NM_000051.3); c.968T>A, p.Ile323Lys (NM_001351834.2); short protein forms I323K.
Identifiers: ClinVar variation 1488377 (VCV001488377.8), dbSNP rs2079882407, ClinGen allele CA382531026.

ClinVar aggregate classification (germline): Uncertain significance. Review status: criteria provided, multiple submitters, no conflicts (2 of 4 stars). 3 submissions from 3 submitters: Uncertain significance (3). Last evaluated 2025-02-14.

Conditions:
Ataxia-telangiectasia syndrome (AT). Also called: LOUIS-BAR SYNDROME; Ataxia-telangiectasia; Cerebello-oculocutaneous telangiectasia; Immunodeficiency with ataxia telangiectasia; ATAXIA-TELANGIECTASIA, COMPLEMENTATION GROUP A; ATAXIA-TELANGIECTASIA, FRESNO VARIANT. Identifiers: Orphanet 100, MedGen C0004135, MONDO:0008840, OMIM 208900.
Familial cancer of breast. Also called: BREAST CANCER, FAMILIAL; Hereditary breast cancer; hereditary breast carcinoma. Identifiers: Orphanet 227535, MedGen C0346153, MONDO:0016419, OMIM 114480. Disease mechanism: loss of function.
Hereditary cancer-predisposing syndrome. Also called: Neoplastic Syndromes, Hereditary; Tumor predisposition; Hereditary neoplastic syndrome; Hereditary Cancer Syndrome. Identifiers: Orphanet 140162, MedGen C0027672, MeSH D009386, MONDO:0015356.

Submissions (3):

Ambry Genetics
Classification: Uncertain significance for Hereditary cancer-predisposing syndrome. Last evaluated: 2025-02-14. Review status: criteria provided, single submitter. Criteria: Ambry Variant Classification Scheme 2023. Collection method: clinical testing. Allele origin: germline.
Comment: The p.I323K variant (also known as c.968T>A), located in coding exon 7 of the ATM gene, results from a T to A substitution at nucleotide position 968. The isoleucine at codon 323 is replaced by lysine, an amino acid with dissimilar properties. This amino acid position is highly conserved in available vertebrate species. In addition, this alteration is predicted to be deleterious by in silico analysis. Based on the available evidence, the clinical significance of this variant remains unclear.

Labcorp Genetics (formerly Invitae), Labcorp
Classification: Uncertain significance for Ataxia-telangiectasia syndrome. Last evaluated: 2024-10-20. Review status: criteria provided, single submitter. Criteria: Invitae Variant Classification Sherloc (09022015). Collection method: clinical testing. Allele origin: germline.
Comment: This sequence change replaces isoleucine, which is neutral and non-polar, with lysine, which is basic and polar, at codon 323 of the ATM protein (p.Ile323Lys). This variant is not present in population databases (gnomAD no frequency). This variant has not been reported in the literature in individuals affected with ATM-related conditions. ClinVar contains an entry for this variant (Variation ID: 1488377). Invitae Evidence Modeling of protein sequence and biophysical properties (such as structural, functional, and spatial information, amino acid conservation, physicochemical variation, residue mobility, and thermodynamic stability) has been performed for this missense variant. However, the output from this modeling did not meet the statistical confidence thresholds required to predict the impact of this variant on ATM protein function. In summary, the available evidence is currently insufficient to determine the role of this variant in disease. Therefore, it has been classified as a Variant of Uncertain Significance.

Baylor Genetics
Classification: Uncertain significance for Familial cancer of breast. Last evaluated: 2024-03-21. Review status: criteria provided, single submitter. Criteria: ACMG Guidelines, 2015. Collection method: clinical testing. Allele origin: unknown.